The following is an entry in ClinVar:

ClinVar aggregate classification (germline): Uncertain significance (1 of 4 stars; one submission).

Conditions:
Neurofibromatosis, type 2 (SWNV). Also called: BILATERAL ACOUSTIC NEUROFIBROMATOSIS; NF2-Related Schwannomatosis; SCHWANNOMATOSIS, VESTIBULAR. Identifiers: Orphanet 637, MedGen C0027832, MONDO:0007039, OMIM 101000. Disease mechanism: loss of function.

Submission:

Labcorp Genetics (formerly Invitae), Labcorp
Classification: Uncertain significance for Neurofibromatosis, type 2. Last evaluated: 2025-06-25. Review status: criteria provided, single submitter. Criteria: Invitae Variant Classification Sherloc (09022015). Collection method: clinical testing. Allele origin: germline.
Comment: This sequence change replaces glutamic acid, which is acidic and polar, with aspartic acid, which is acidic and polar, at codon 520 of the NF2 protein (p.Glu520Asp). This variant is not present in population databases (gnomAD no frequency). This variant has not been reported in the literature in individuals affected with NF2-related conditions. Invitae Evidence Modeling of protein sequence and biophysical properties (such as structural, functional, and spatial information, amino acid conservation, physicochemical variation, residue mobility, and thermodynamic stability) indicates that this missense variant is not expected to disrupt NF2 protein function with a negative predictive value of 80%. In summary, the available evidence is currently insufficient to determine the role of this variant in disease. Therefore, it has been classified as a Variant of Uncertain Significance.

NM_000268.4(NF2):c.1560G>C (p.Glu520Asp)

Gene: NF2 (NF2, moesin-ezrin-radixin like (MERLIN) tumor suppressor; plus strand). Cytogenetic location: 22q12.2.
Variant type: single nucleotide variant.
Coding change: c.1560G>C on transcript NM_000268.4 (MANE Select); coding-DNA position 1560, G replaced by C.
Protein change: p.Glu520Asp; replaces glutamic acid 520 with aspartic acid.
Molecular consequence: missense variant. On other transcripts: non-coding transcript variant (1), intron variant (1).
Genome position (GRCh38, 1-based): chr22:29,678,309, G>C. VCF-style: chr22-29678309-G-C. GRCh37 (hg19) VCF-style: chr22-30074298-G-C.
Other names: c.1446G>C, p.Glu482Asp (NM_001407053.1, NM_001407056.1); c.1437G>C, p.Glu479Asp (NM_001407054.1, NM_001407058.1, NM_181829.3); c.1434G>C, p.Glu478Asp (NM_001407055.1, NM_181828.3); c.1425G>C, p.Glu475Asp (NM_001407057.1, NM_001407059.1); c.1560G>C, p.Glu520Asp (NM_001407060.1, NM_001407066.1, NM_016418.5 and 2 more transcripts); c.1302G>C, p.Glu434Asp (NM_001407062.1); c.1311G>C, p.Glu437Asp (NM_001407063.1, NM_001407064.1, NM_181830.3 and 1 more transcripts); c.1026G>C, p.Glu342Asp (NM_001407065.1); and 2 more; short protein forms E342D, E475D, E479D, E520D, E437D, E482D, E434D, E443D.
Identifiers: ClinVar variation 4745535 (VCV004745535.1).
Genomic context (GRCh38, chr22:29,678,309, plus strand): 5'-CATTGGTGACAGCCTGTCTTTCGACTTCAAAGATACTGACATGAAGCGGCTTTCCATGGA[G>C]ATAGAGAAAGAAAAGTATGTAGCCCCCTGTGCCCTGCTGTGGGCAGCTGTGAACTAGACT-3'
Protein context (NP_000259.1, residues 510-530): KDTDMKRLSM[Glu520Asp]IEKEKVEYME